The following is an entry in ClinVar:

ClinVar aggregate classification (germline): Uncertain significance (1 of 4 stars; one submission).

Conditions:
Cornelia de Lange syndrome 1 (CDLS1). Also called: Brachmann de Lange syndrome; NIPBL-Related Cornelia de Lange Syndrome; TYPUS DEGENERATIVUS AMSTELODAMENSIS. Identifiers: Orphanet 199, MedGen C4551851, MONDO:0007387, OMIM 122470.

Submission:

Labcorp Genetics (formerly Invitae), Labcorp
Classification: Uncertain significance for Cornelia de Lange syndrome 1. Last evaluated: 2024-08-13. Review status: criteria provided, single submitter. Criteria: Invitae Variant Classification Sherloc (09022015). Collection method: clinical testing. Allele origin: germline.
Comment: This sequence change replaces aspartic acid, which is acidic and polar, with asparagine, which is neutral and polar, at codon 1935 of the NIPBL protein (p.Asp1935Asn). This variant is not present in population databases (gnomAD no frequency). This variant has not been reported in the literature in individuals affected with NIPBL-related conditions. Advanced modeling of protein sequence and biophysical properties (such as structural, functional, and spatial information, amino acid conservation, physicochemical variation, residue mobility, and thermodynamic stability) performed at Invitae indicates that this missense variant is expected to disrupt NIPBL protein function with a positive predictive value of 95%. In summary, the available evidence is currently insufficient to determine the role of this variant in disease. Therefore, it has been classified as a Variant of Uncertain Significance.

NM_133433.4(NIPBL):c.5803G>A (p.Asp1935Asn)

Gene: NIPBL (NIPBL cohesin loading factor; plus strand). Cytogenetic location: 5p13.2.
Variant type: single nucleotide variant.
Coding change: c.5803G>A on transcript NM_133433.4 (MANE Select); coding-DNA position 5803, G replaced by A.
Protein change: p.Asp1935Asn; replaces aspartic acid 1935 with asparagine.
Molecular consequence: missense variant.
Genome position (GRCh38, 1-based): chr5:37,026,322, G>A. VCF-style: chr5-37026322-G-A. GRCh37 (hg19) VCF-style: chr5-37026424-G-A.
Other names: c.5803G>A, p.Asp1935Asn (NM_015384.5); short protein forms D1935N.
Identifiers: ClinVar variation 2808679 (VCV002808679.3), dbSNP rs2478383077, ClinGen allele CA359492384.